The following is an entry in ClinVar:

ClinVar aggregate classification (germline): Uncertain significance (1 of 4 stars; one submission).

Submission:

Labcorp Genetics (formerly Invitae), Labcorp
Classification: Uncertain significance. Last evaluated: 2025-03-18. Review status: criteria provided, single submitter. Criteria: Invitae Variant Classification Sherloc (09022015). Collection method: clinical testing. Allele origin: germline.
Comment: This sequence change replaces glycine, which is neutral and non-polar, with valine, which is neutral and non-polar, at codon 412 of the RAI1 protein (p.Gly412Val). This variant is not present in population databases (gnomAD no frequency). This variant has not been reported in the literature in individuals affected with RAI1-related conditions. Invitae Evidence Modeling of protein sequence and biophysical properties (such as structural, functional, and spatial information, amino acid conservation, physicochemical variation, residue mobility, and thermodynamic stability) indicates that this missense variant is not expected to disrupt RAI1 protein function with a negative predictive value of 80%. In summary, the available evidence is currently insufficient to determine the role of this variant in disease. Therefore, it has been classified as a Variant of Uncertain Significance.

NM_030665.4(RAI1):c.1235G>T (p.Gly412Val)

Gene: RAI1 (retinoic acid induced 1; plus strand). Cytogenetic location: 17p11.2.
Variant type: single nucleotide variant.
Coding change: c.1235G>T on transcript NM_030665.4 (MANE Select); coding-DNA position 1235, G replaced by T.
Protein change: p.Gly412Val; replaces glycine 412 with valine.
Molecular consequence: missense variant.
Genome position (GRCh38, 1-based): chr17:17,794,183, G>T. VCF-style: chr17-17794183-G-T. GRCh37 (hg19) VCF-style: chr17-17697497-G-T.
Other names: short protein forms G412V.
Identifiers: ClinVar variation 4807279 (VCV004807279.1).